The following is an entry in ClinVar:

ClinVar aggregate classification (germline): Uncertain significance (1 of 4 stars; one submission).

Conditions:
Charcot-Marie-Tooth disease type 2E (CMT2E). Also called: CHARCOT-MARIE-TOOTH DISEASE, AXONAL, TYPE 2E; CHARCOT-MARIE-TOOTH NEUROPATHY, TYPE 2E. Identifiers: Orphanet 99939, MedGen C1843225, MONDO:0011894, OMIM 607684.

Allele frequency attached by ClinVar (database versions not stated): gnomAD exomes below 0.00001.
gnomAD v4.1: 1 of 1,613,918 alleles (0.000062%); highest among the groups gnomAD compares: Non-Finnish European, 0.000085%; no homozygotes.

Submission:

Labcorp Genetics (formerly Invitae), Labcorp
Classification: Uncertain significance for Charcot-Marie-Tooth disease type 2E. Last evaluated: 2022-07-19. Review status: criteria provided, single submitter. Criteria: Invitae Variant Classification Sherloc (09022015). Collection method: clinical testing. Allele origin: germline.
Comment: In summary, the available evidence is currently insufficient to determine the role of this variant in disease. Therefore, it has been classified as a Variant of Uncertain Significance. Experimental studies and prediction algorithms are not available or were not evaluated, and the functional significance of this variant is currently unknown. ClinVar contains an entry for this variant (Variation ID: 1485189). This variant has not been reported in the literature in individuals affected with NEFL-related conditions. This variant is not present in population databases (gnomAD no frequency). This sequence change replaces glutamine, which is neutral and polar, with glutamic acid, which is acidic and polar, at codon 274 of the NEFL protein (p.Gln274Glu).

NM_006158.5(NEFL):c.820C>G (p.Gln274Glu)

Gene: NEFL (neurofilament light chain; minus strand). Cytogenetic location: 8p21.2.
Variant type: single nucleotide variant.
Coding change: c.820C>G on transcript NM_006158.5 (MANE Select); coding-DNA position 820, C replaced by G.
Protein change: p.Gln274Glu; replaces glutamine 274 with glutamic acid.
Molecular consequence: missense variant.
Genome position (GRCh38, 1-based): chr8:24,955,696, G>C on the plus strand (C>G on the coding strand, the complement: NEFL is on the minus strand). VCF-style: chr8-24955696-G-C. GRCh37 (hg19) VCF-style: chr8-24813210-G-C.
Other names: short protein forms Q274E.
Identifiers: ClinVar variation 1485189 (VCV001485189.6), dbSNP rs2117254497, ClinGen allele CA370621557.